The following is an entry in ClinVar:

ClinVar aggregate classification (germline): Conflicting classifications of pathogenicity. Review status: criteria provided, conflicting classifications (1 of 4 stars). 7 submissions from 7 submitters: Uncertain significance (4); Likely benign (2). 1 of the submissions does not count toward it. Last evaluated 2026-01-19.

Conditions:
Inborn genetic diseases. Identifiers: MedGen C0950123, MeSH D030342.
POMT1-related disorder. Also called: POMT1-related condition; POMT1-related disorders.
Walker-Warburg congenital muscular dystrophy. Also called: Muscular dystrophy-dystroglycanopathy, type A; Walker-Warburg syndrome. Identifiers: Orphanet 899, MedGen C0265221, MONDO:0000171.
Muscular dystrophy-dystroglycanopathy (congenital with impaired intellectual development), type B, 1. Also called: Muscular dystrophy-dystroglycanopathy (congenital with intellectual disability), type B1; MUSCULAR DYSTROPHY, CONGENITAL, POMT1-RELATED. Identifiers: MedGen C5436962, MONDO:0013159, OMIM 613155.
Autosomal recessive limb-girdle muscular dystrophy type 2K. Also called: MUSCULAR DYSTROPHY-DYSTROGLYCANOPATHY (LIMB-GIRDLE), TYPE C, 1; MUSCULAR DYSTROPHY, LIMB-GIRDLE, TYPE 2K. Identifiers: Orphanet 86812, MedGen C1836373, MONDO:0012248, OMIM 609308.

Allele frequency attached by ClinVar (database versions not stated): gnomAD exomes 0.00025; TOPMed 0.00036; ExAC 0.00015; gnomAD 0.00015 and 0.00017; 1000 Genomes Project 30x 0.00016; 1000 Genomes Project 0.00020.
gnomAD v4.1: 152 of 1,614,202 alleles (0.0094%); highest among the groups gnomAD compares: Admixed American, 0.14%; 1 homozygote.

Submissions (7):

Labcorp Genetics (formerly Invitae), Labcorp
Classification: Likely benign for Muscular dystrophy-dystroglycanopathy (congenital with impaired intellectual development), type B, 1; Walker-Warburg congenital muscular dystrophy; Autosomal recessive limb-girdle muscular dystrophy type 2K. Last evaluated: 2026-01-19. Review status: criteria provided, single submitter. Criteria: Invitae Variant Classification Sherloc (09022015). Collection method: clinical testing. Allele origin: germline.

Mayo Clinic Laboratories, Mayo Clinic
Classification: Uncertain significance. Last evaluated: 2025-10-19. Review status: criteria provided, single submitter. Criteria: ACMG Guidelines, 2015. Collection method: clinical testing. Allele origin: germline. Observed: 1 variant allele.

Revvity Omics, Revvity
Classification: Uncertain significance. Last evaluated: 2024-05-10. Review status: criteria provided, single submitter. Criteria: ACMG Guidelines, 2015. Collection method: clinical testing. Allele origin: germline.

Ambry Genetics
Classification: Likely benign for Inborn genetic diseases. Last evaluated: 2022-02-11. Review status: criteria provided, single submitter. Criteria: Ambry Variant Classification Scheme 2023. Collection method: clinical testing. Allele origin: germline.

Eurofins Ntd Llc (ga)
Classification: Uncertain significance. Last evaluated: 2018-03-08. Review status: criteria provided, single submitter. Criteria: EGL ClinVar v180209 classification definitions. Collection method: clinical testing. Allele origin: germline. Observed: 3 variant alleles, 3 heterozygotes.

Athena Diagnostics
Classification: Uncertain significance. Last evaluated: 2017-09-20. Review status: criteria provided, single submitter. Criteria: Athena Diagnostics Criteria. Collection method: clinical testing. Allele origin: germline.

PreventionGenetics, part of Exact Sciences
Classification: Likely benign for POMT1-related condition. Last evaluated: 2022-06-27. Review status: no assertion criteria provided. Collection method: clinical testing. Allele origin: germline. Not counted in ClinVar's aggregate classification.
Comment: This variant is classified as likely benign based on ACMG/AMP sequence variant interpretation guidelines (Richards et al. 2015 PMID: 25741868, with internal and published modifications).

NM_001077365.2(POMT1):c.586G>A (p.Ala196Thr)

Gene: POMT1 (protein O-mannosyltransferase 1; plus strand). Cytogenetic location: 9q34.13.
Variant type: single nucleotide variant.
Coding change: c.586G>A on transcript NM_001077365.2 (MANE Select); coding-DNA position 586, G replaced by A.
Protein change: p.Ala196Thr; replaces alanine 196 with threonine.
Molecular consequence: missense variant. On other transcripts: non-coding transcript variant (10).
Genome position (GRCh38, 1-based): chr9:131,509,789, G>A. VCF-style: chr9-131509789-G-A. GRCh37 (hg19) VCF-style: chr9-134385176-G-A.
Other names: p.Ala196Thr; c.424G>A, p.Ala142Thr (NM_001077366.2, NM_001353194.2, NM_001353197.2 and 3 more transcripts); c.586G>A, p.Ala196Thr (NM_001136113.2, NM_001353193.2, NM_001374690.1 and 1 more transcripts); c.235G>A, p.Ala79Thr (NM_001136114.2, NM_001353195.2, NM_001353199.2 and 2 more transcripts); c.496G>A, p.Ala166Thr (NM_001353196.2); c.130G>A, p.Ala44Thr (NM_001353200.2, NM_001374695.1); short protein forms A196T, A142T, A44T, A166T, A79T.
Identifiers: ClinVar variation 285812 (VCV000285812.21), dbSNP rs199498900, ClinGen allele CA5293329.